The following is an entry in ClinVar:

NM_001384474.1(LOXHD1):c.1742T>C (p.Val581Ala)

Gene: LOXHD1 (lipoxygenase homology PLAT domains 1; minus strand). Cytogenetic location: 18q21.1.
Variant type: single nucleotide variant.
Coding change: c.1742T>C on transcript NM_001384474.1 (MANE Select); coding-DNA position 1742, T replaced by C.
Protein change: p.Val581Ala; replaces valine 581 with alanine.
Molecular consequence: missense variant.
Genome position (GRCh38, 1-based): chr18:46,579,697, A>G on the plus strand (T>C on the coding strand, the complement: LOXHD1 is on the minus strand). VCF-style: chr18-46579697-A-G. GRCh37 (hg19) VCF-style: chr18-44159660-A-G.
Other names: c.1742T>C, p.Val581Ala (NM_144612.7); short protein forms V581A.
Identifiers: ClinVar variation 47920 (VCV000047920.25), dbSNP rs35007621, ClinGen allele CA142189.

ClinVar aggregate classification (germline): Conflicting classifications of pathogenicity. Review status: criteria provided, conflicting classifications (1 of 4 stars). 6 submissions from 6 submitters: Uncertain significance (1); Benign (2); Likely benign (1). 2 of the submissions do not count toward it. Last evaluated 2026-01-31.

Conditions:
Autosomal recessive nonsyndromic hearing loss 77. Identifiers: Orphanet 90636, MedGen C2746083, MONDO:0013119, OMIM 613079.

Allele frequency attached by ClinVar (database versions not stated): gnomAD exomes 0.00078 and 0.00158; ExAC 0.00286; 1000 Genomes Project 30x 0.00812; ESP Exome Variant Server 0.00832; 1000 Genomes Project 0.00839; gnomAD 0.00886 and 0.00961; TOPMed 0.00948.
gnomAD v4.1: 2,458 of 1,551,732 alleles (0.16%); highest among the groups gnomAD compares: African/African-American, 3.1%; 44 homozygotes.

Submissions (6):

Labcorp Genetics (formerly Invitae), Labcorp
Classification: Benign. Last evaluated: 2026-01-31. Review status: criteria provided, single submitter. Criteria: Invitae Variant Classification Sherloc (09022015). Collection method: clinical testing. Allele origin: germline.

GeneDx
Classification: Likely benign. Last evaluated: 2018-06-24. Review status: criteria provided, single submitter. Criteria: GeneDx Variant Classification Process June 2021. Collection method: clinical testing. Allele origin: germline. Affected: yes.

Illumina Laboratory Services, Illumina
Classification: Uncertain significance for Autosomal recessive nonsyndromic hearing loss 77. Last evaluated: 2018-01-12. Review status: criteria provided, single submitter. Criteria: ICSL Variant Classification Criteria 13 December 2019. Collection method: clinical testing. Allele origin: germline.

Laboratory for Molecular Medicine, Mass General Brigham Personalized Medicine
Classification: Benign. Last evaluated: 2016-06-21. Review status: criteria provided, single submitter. Criteria: LMM Criteria. Collection method: clinical testing. Allele origin: germline. Observed: 7 variant alleles.
Comment: p.Val581Ala in Exon 13 of LOXHD1: This variant is not expected to have clinical significance because it has been identified in 2.2% (61/2758) of African chromos omes by the Exome Aggregation Consortium (ExAC; dbSNP rs35007621).

Natera, Inc.
Classification: Benign for Autosomal recessive deafness type 77. Last evaluated: 2020-09-16. Review status: no assertion criteria provided. Collection method: clinical testing. Allele origin: germline. Not counted in ClinVar's aggregate classification.

Counsyl
Classification: Likely benign for Autosomal recessive nonsyndromic hearing loss 77. Last evaluated: 2017-03-16. Review status: no assertion criteria provided. Collection method: clinical testing. Allele origin: unknown. Not counted in ClinVar's aggregate classification.